The following is an entry in ClinVar:

NM_031935.3(HMCN1):c.9803G>A (p.Cys3268Tyr)

Gene: HMCN1 (hemicentin 1; plus strand). Cytogenetic location: 1q31.1.
Variant type: single nucleotide variant.
Coding change: c.9803G>A on transcript NM_031935.3 (MANE Select); coding-DNA position 9803, G replaced by A.
Protein change: p.Cys3268Tyr; replaces cysteine 3268 with tyrosine.
Molecular consequence: missense variant.
Genome position (GRCh38, 1-based): chr1:186,090,833, G>A. VCF-style: chr1-186090833-G-A. GRCh37 (hg19) VCF-style: chr1-186059965-G-A.
Other names: short protein forms C3268Y.
Identifiers: ClinVar variation 1718567 (VCV001718567.5), dbSNP rs747834161, ClinGen allele CA1293542.

ClinVar aggregate classification (germline): Uncertain significance (1 of 4 stars; one submission).

Allele frequency attached by ClinVar (database versions not stated): ExAC 0.00001; gnomAD exomes below 0.00001.
gnomAD v4.1: 1 of 1,612,622 alleles (0.000062%); highest among the groups gnomAD compares: Non-Finnish European, 0.000085%; no homozygotes.

Submission:

Labcorp Genetics (formerly Invitae), Labcorp
Classification: Uncertain significance. Last evaluated: 2025-03-17. Review status: criteria provided, single submitter. Criteria: Invitae Variant Classification Sherloc (09022015). Collection method: clinical testing. Allele origin: germline.
Comment: This sequence change replaces cysteine, which is neutral and slightly polar, with tyrosine, which is neutral and polar, at codon 3268 of the HMCN1 protein (p.Cys3268Tyr). This variant is present in population databases (rs747834161, gnomAD 0.0009%). This variant has not been reported in the literature in individuals affected with HMCN1-related conditions. ClinVar contains an entry for this variant (Variation ID: 1718567). An algorithm developed to predict the effect of missense changes on protein structure and function (PolyPhen-2) suggests that this variant is likely to be disruptive. In summary, the available evidence is currently insufficient to determine the role of this variant in disease. Therefore, it has been classified as a Variant of Uncertain Significance.